The following is an entry in ClinVar:

ClinVar aggregate classification (germline): Likely benign (1 of 4 stars; one submission).

Allele frequency attached by ClinVar (database versions not stated): gnomAD 0.00773 and 0.00804; 1000 Genomes Project 0.00938; 1000 Genomes Project 30x 0.00984; TOPMed 0.01002.

Submission:

GeneDx
Classification: Likely benign. Last evaluated: 2018-06-17. Review status: criteria provided, single submitter. Criteria: GeneDx Variant Classification (06012015). Collection method: clinical testing. Allele origin: germline. Affected: yes.
Comment: This variant is considered likely benign or benign based on one or more of the following criteria: it is a conservative change, it occurs at a poorly conserved position in the protein, it is predicted to be benign by multiple in silico algorithms, and/or has population frequency not consistent with disease.

NM_144997.7(FLCN):c.1538+235G>A

Gene: FLCN (folliculin; minus strand). Cytogenetic location: 17p11.2.
Variant type: single nucleotide variant.
Coding change: c.1538+235G>A on transcript NM_144997.7 (MANE Select); 235 bases into the intron after coding-DNA position 1538, G replaced by A.
Molecular consequence: intron variant.
Genome position (GRCh38, 1-based): chr17:17,214,750, C>T on the plus strand (G>A on the coding strand, the complement: FLCN is on the minus strand). VCF-style: chr17-17214750-C-T. GRCh37 (hg19) VCF-style: chr17-17118064-C-T.
Other names: c.1538+235G>A (NM_001353231.2, NM_001353230.2); c.1592+235G>A (NM_001353229.2).
Identifiers: ClinVar variation 677822 (VCV000677822.1), dbSNP rs141383036, ClinGen allele CA288304791.